The following is an entry in ClinVar:

ClinVar aggregate classification (germline): Uncertain significance (1 of 4 stars; one submission).

Allele frequency attached by ClinVar (database versions not stated): gnomAD exomes below 0.00001.
gnomAD v4.1: 1 of 1,612,716 alleles (0.000062%); highest among the groups gnomAD compares: Non-Finnish European, 0.000085%; no homozygotes.

Submission:

Ambry Genetics
Classification: Uncertain significance. Last evaluated: 2022-05-24. Review status: criteria provided, single submitter. Criteria: Ambry Variant Classification Scheme 2023. Collection method: clinical testing. Allele origin: germline.
Comment: The p.K1241T variant (also known as c.3722A>C), located in coding exon 16 of the POLQ gene, results from an A to C substitution at nucleotide position 3722. The lysine at codon 1241 is replaced by threonine, an amino acid with similar properties. This amino acid position is conserved. In addition, this alteration is predicted to be tolerated by in silico analysis. Since supporting evidence is limited at this time, the clinical significance of this alteration remains unclear.

NM_199420.4(POLQ):c.3722A>C (p.Lys1241Thr)

Gene: POLQ (DNA polymerase theta; minus strand). Cytogenetic location: 3q13.33.
Variant type: single nucleotide variant.
Coding change: c.3722A>C on transcript NM_199420.4 (MANE Select); coding-DNA position 3722, A replaced by C.
Protein change: p.Lys1241Thr; replaces lysine 1241 with threonine.
Molecular consequence: missense variant.
Genome position (GRCh38, 1-based): chr3:121,489,209, T>G on the plus strand (A>C on the coding strand, the complement: POLQ is on the minus strand). VCF-style: chr3-121489209-T-G. GRCh37 (hg19) VCF-style: chr3-121208056-T-G.
Other names: short protein forms K1241T.
Identifiers: ClinVar variation 1734306 (VCV001734306.2), dbSNP rs2546787036, ClinGen allele CA354097739.